The following is an entry in ClinVar:

NM_000466.3(PEX1):c.2980C>T (p.Leu994Phe)

Genes: PEX1 (peroxisomal biogenesis factor 1; minus strand), GATAD1 (GATA zinc finger domain containing 1; plus strand). Cytogenetic location: 7q21.2.
Variant type: single nucleotide variant.
Coding change: c.2980C>T on transcript NM_000466.3 (MANE Select); coding-DNA position 2980, C replaced by T.
Protein change: p.Leu994Phe; replaces leucine 994 with phenylalanine.
Molecular consequence: missense variant.
Genome position (GRCh38, 1-based): chr7:92,494,343, G>A on the plus strand (C>T on the coding strand, the complement: PEX1 is on the minus strand). VCF-style: chr7-92494343-G-A. GRCh37 (hg19) VCF-style: chr7-92123657-G-A.
Other names: c.2980C>T (NM_000466.2); c.2809C>T, p.Leu937Phe (NM_001282677.2); c.2356C>T, p.Leu786Phe (NM_001282678.2); short protein forms L786F, L937F, L994F.
Identifiers: ClinVar variation 1462221 (VCV001462221.7), dbSNP rs760620313, ClinGen allele CA4340943.

ClinVar aggregate classification (germline): Uncertain significance. Review status: criteria provided, multiple submitters, no conflicts (2 of 4 stars). 2 submissions from 2 submitters: Uncertain significance (2). Last evaluated 2021-09-08.

Conditions:
Zellweger spectrum disorders (ZS). Also called: Zellweger Spectrum Disorder (ZSD); Zellweger Spectrum Disorder; Zellweger Spectrum; Zellweger syndrome. Identifiers: Orphanet 912, MedGen C0043459, MONDO:0019609.

Allele frequency attached by ClinVar (database versions not stated): gnomAD exomes below 0.00001; ExAC 0.00001.
gnomAD v4.1: 3 of 1,614,030 alleles (0.00019%); highest among the groups gnomAD compares: Non-Finnish European, 0.00025%; no homozygotes.

Submissions (2):

Labcorp Genetics (formerly Invitae), Labcorp
Classification: Uncertain significance for Zellweger spectrum disorders. Last evaluated: 2021-09-08. Review status: criteria provided, single submitter. Criteria: Invitae Variant Classification Sherloc (09022015). Collection method: clinical testing. Allele origin: germline.
Comment: This sequence change replaces leucine with phenylalanine at codon 994 of the PEX1 protein (p.Leu994Phe). The leucine residue is highly conserved and there is a small physicochemical difference between leucine and phenylalanine. This variant is present in population databases (rs760620313, ExAC 0.002%). This variant has not been reported in the literature in individuals affected with PEX1-related conditions. Algorithms developed to predict the effect of missense changes on protein structure and function are either unavailable or do not agree on the potential impact of this missense change (SIFT: "Deleterious"; PolyPhen-2: "Probably Damaging"; Align-GVGD: "Class C15"). In summary, the available evidence is currently insufficient to determine the role of this variant in disease. Therefore, it has been classified as a Variant of Uncertain Significance.

Revvity Omics, Revvity
Classification: Uncertain significance. Last evaluated: 2020-12-14. Review status: criteria provided, single submitter. Criteria: ACMG Guidelines, 2015. Collection method: clinical testing. Allele origin: germline.